The following is an entry in ClinVar:

NM_002055.5(GFAP):c.1228G>T (p.Val410Leu)

Gene: GFAP (glial fibrillary acidic protein; minus strand). Cytogenetic location: 17q21.31.
Variant type: single nucleotide variant.
Coding change: c.1228G>T on transcript NM_002055.5 (MANE Select); coding-DNA position 1228, G replaced by T.
Protein change: p.Val410Leu; replaces valine 410 with leucine.
Molecular consequence: missense variant.
Genome position (GRCh38, 1-based): chr17:44,908,093, C>A on the plus strand (G>T on the coding strand, the complement: GFAP is on the minus strand). VCF-style: chr17-44908093-C-A. GRCh37 (hg19) VCF-style: chr17-42985461-C-A.
Other names: c.1348G>T, p.Val450Leu (NM_001363846.2); short protein forms V410L, V450L.
Identifiers: ClinVar variation 1715460 (VCV001715460.5), dbSNP rs2508923087, ClinGen allele CA399838897.

ClinVar aggregate classification (germline): Uncertain significance (1 of 4 stars; one submission).

Allele frequency attached by ClinVar (database versions not stated): gnomAD exomes below 0.00001.
gnomAD v4.1: 1 of 1,609,236 alleles (0.000062%); highest among the groups gnomAD compares: Non-Finnish European, 0.000085%; no homozygotes.

Submission:

Labcorp Genetics (formerly Invitae), Labcorp
Classification: Uncertain significance. Last evaluated: 2023-01-26. Review status: criteria provided, single submitter. Criteria: Invitae Variant Classification Sherloc (09022015). Collection method: clinical testing. Allele origin: germline.
Comment: This sequence change replaces valine, which is neutral and non-polar, with leucine, which is neutral and non-polar, at codon 410 of the GFAP protein (p.Val410Leu). This variant is not present in population databases (gnomAD no frequency). This variant has not been reported in the literature in individuals affected with GFAP-related conditions. ClinVar contains an entry for this variant (Variation ID: 1715460). Advanced modeling of protein sequence and biophysical properties (such as structural, functional, and spatial information, amino acid conservation, physicochemical variation, residue mobility, and thermodynamic stability) has been performed at Invitae for this missense variant, however the output from this modeling did not meet the statistical confidence thresholds required to predict the impact of this variant on GFAP protein function. In summary, the available evidence is currently insufficient to determine the role of this variant in disease. Therefore, it has been classified as a Variant of Uncertain Significance.